The following is an entry in ClinVar:

ClinVar aggregate classification (germline): Uncertain significance (1 of 4 stars; one submission).

Conditions:
Congenital myasthenic syndrome 9. Also called: Myasthenic syndrome, congenital, 9, associated with acetylcholine receptor deficiency. Identifiers: Orphanet 590, MedGen C4225368, MONDO:0014587, OMIM 616325.
Fetal akinesia deformation sequence 1 (FADS1). Also called: Pena-Shokeir syndrome type I; Fetal akinesia sequence. Identifiers: Orphanet 994, MedGen C1276035, MONDO:0100101, OMIM 208150, HP:0001989.

Allele frequency attached by ClinVar (database versions not stated): TOPMed 0.00001.

Submission:

Labcorp Genetics (formerly Invitae), Labcorp
Classification: Uncertain significance for Congenital myasthenic syndrome 9; Fetal akinesia deformation sequence 1. Last evaluated: 2021-08-28. Review status: criteria provided, single submitter. Criteria: Invitae Variant Classification Sherloc (09022015). Collection method: clinical testing. Allele origin: germline.
Comment: This sequence change replaces aspartic acid with valine at codon 622 of the MUSK protein (p.Asp622Val). The aspartic acid residue is highly conserved and there is a large physicochemical difference between aspartic acid and valine. This variant is not present in population databases (ExAC no frequency). This variant has not been reported in the literature in individuals affected with MUSK-related conditions. Algorithms developed to predict the effect of missense changes on protein structure and function (SIFT, PolyPhen-2, Align-GVGD) all suggest that this variant is likely to be disruptive. In summary, the available evidence is currently insufficient to determine the role of this variant in disease. Therefore, it has been classified as a Variant of Uncertain Significance.

NM_005592.4(MUSK):c.1865A>T (p.Asp622Val)

Gene: MUSK (muscle associated receptor tyrosine kinase; plus strand). Cytogenetic location: 9q31.3.
Variant type: single nucleotide variant.
Coding change: c.1865A>T on transcript NM_005592.4 (MANE Select); coding-DNA position 1865, A replaced by T.
Protein change: p.Asp622Val; replaces aspartic acid 622 with valine.
Molecular consequence: missense variant.
Genome position (GRCh38, 1-based): chr9:110,787,776, A>T. VCF-style: chr9-110787776-A-T. GRCh37 (hg19) VCF-style: chr9-113550056-A-T.
Other names: c.1607A>T, p.Asp536Val (NM_001166280.2); c.1577A>T, p.Asp526Val (NM_001166281.2); c.605A>T, p.Asp202Val (NM_001369398.1); short protein forms D622V, D536V, D202V, D526V.
Identifiers: ClinVar variation 476137 (VCV000476137.7), dbSNP rs1292312575, ClinGen allele CA374476496.